The following is an entry in ClinVar:

NM_013266.4(CTNNA3):c.376C>G (p.Arg126Gly)

Gene: CTNNA3 (catenin alpha 3; minus strand). Cytogenetic location: 10q21.3.
Variant type: single nucleotide variant.
Coding change: c.376C>G on transcript NM_013266.4 (MANE Select); coding-DNA position 376, C replaced by G.
Protein change: p.Arg126Gly; replaces arginine 126 with glycine.
Molecular consequence: missense variant.
Genome position (GRCh38, 1-based): chr10:67,539,586, G>C on the plus strand (C>G on the coding strand, the complement: CTNNA3 is on the minus strand). VCF-style: chr10-67539586-G-C. GRCh37 (hg19) VCF-style: chr10-69299344-G-C.
Other names: c.376C>G (NM_013266.2); c.376C>G, p.Arg126Gly (NM_001127384.3); c.412C>G, p.Arg138Gly (NM_001291133.2); short protein forms R126G, R138G.
Identifiers: ClinVar variation 1364792 (VCV001364792.7), dbSNP rs373661106, ClinGen allele CA5520639.

ClinVar aggregate classification (germline): Uncertain significance. Review status: criteria provided, multiple submitters, no conflicts (2 of 4 stars). 2 submissions from 2 submitters: Uncertain significance (2). Last evaluated 2025-06-01.

Conditions:
Arrhythmogenic right ventricular dysplasia 13. Also called: ARRHYTHMOGENIC RIGHT VENTRICULAR CARDIOMYOPATHY 13; Arrhythmogenic right ventricular dysplasia, familial, 13. Identifiers: MedGen C3810138, MONDO:0000908, OMIM 615616.

gnomAD v4.1: 13 of 1,613,702 alleles (0.00081%); highest among the groups gnomAD compares: Middle Eastern, 0.033%; no homozygotes.

Submissions (2):

Ambry Genetics
Classification: Uncertain significance. Last evaluated: 2025-06-01. Review status: criteria provided, single submitter. Criteria: Ambry Variant Classification Scheme 2023. Collection method: clinical testing. Allele origin: germline.
Comment: The p.R126G variant (also known as c.376C>G), located in coding exon 3 of the CTNNA3 gene, results from a C to G substitution at nucleotide position 376. The arginine at codon 126 is replaced by glycine, an amino acid with dissimilar properties. This amino acid position is conserved. In addition, this alteration is predicted to be deleterious by in silico analysis. Based on the available evidence, the clinical significance of this variant remains unclear.

Labcorp Genetics (formerly Invitae), Labcorp
Classification: Uncertain significance for Arrhythmogenic right ventricular dysplasia 13. Last evaluated: 2022-08-31. Review status: criteria provided, single submitter. Criteria: Invitae Variant Classification Sherloc (09022015). Collection method: clinical testing. Allele origin: germline.
Comment: In summary, the available evidence is currently insufficient to determine the role of this variant in disease. Therefore, it has been classified as a Variant of Uncertain Significance. Algorithms developed to predict the effect of missense changes on protein structure and function are either unavailable or do not agree on the potential impact of this missense change (SIFT: "Deleterious"; PolyPhen-2: "Possibly Damaging"; Align-GVGD: "Class C0"). ClinVar contains an entry for this variant (Variation ID: 1364792). This variant has not been reported in the literature in individuals affected with CTNNA3-related conditions. This variant is present in population databases (rs373661106, gnomAD 0.003%). This sequence change replaces arginine, which is basic and polar, with glycine, which is neutral and non-polar, at codon 126 of the CTNNA3 protein (p.Arg126Gly).